The following is an entry in ClinVar:

ClinVar aggregate classification (germline): Uncertain significance (1 of 4 stars; one submission).

Allele frequency attached by ClinVar (database versions not stated): gnomAD 0.00001; TOPMed 0.00002; gnomAD exomes 0.00003.
gnomAD v4.1: 50 of 1,613,958 alleles (0.0031%); highest among the groups gnomAD compares: East Asian, 0.011%; no homozygotes.

Submission:

Labcorp Genetics (formerly Invitae), Labcorp
Classification: Uncertain significance. Last evaluated: 2024-09-03. Review status: criteria provided, single submitter. Criteria: Invitae Variant Classification Sherloc (09022015). Collection method: clinical testing. Allele origin: germline.
Comment: This sequence change replaces valine, which is neutral and non-polar, with isoleucine, which is neutral and non-polar, at codon 567 of the JAK1 protein (p.Val567Ile). This variant is present in population databases (no rsID available, gnomAD 0.003%). This variant has not been reported in the literature in individuals affected with JAK1-related conditions. ClinVar contains an entry for this variant (Variation ID: 1907489). Invitae Evidence Modeling of protein sequence and biophysical properties (such as structural, functional, and spatial information, amino acid conservation, physicochemical variation, residue mobility, and thermodynamic stability) indicates that this missense variant is not expected to disrupt JAK1 protein function with a negative predictive value of 80%. In summary, the available evidence is currently insufficient to determine the role of this variant in disease. Therefore, it has been classified as a Variant of Uncertain Significance.

NM_002227.4(JAK1):c.1699G>A (p.Val567Ile)

Gene: JAK1 (Janus kinase 1; minus strand). Cytogenetic location: 1p31.3.
Variant type: single nucleotide variant.
Coding change: c.1699G>A on transcript NM_002227.4 (MANE Select); coding-DNA position 1699, G replaced by A.
Protein change: p.Val567Ile; replaces valine 567 with isoleucine.
Molecular consequence: missense variant.
Genome position (GRCh38, 1-based): chr1:64,850,860, C>T on the plus strand (G>A on the coding strand, the complement: JAK1 is on the minus strand). VCF-style: chr1-64850860-C-T. GRCh37 (hg19) VCF-style: chr1-65316543-C-T.
Other names: c.1699G>A, p.Val567Ile (NM_001320923.2, NM_001321852.2, NM_001321853.2 and 3 more transcripts); c.1696G>A, p.Val566Ile (NM_001321857.2); short protein forms V567I, V566I.
Identifiers: ClinVar variation 1907489 (VCV001907489.5), dbSNP rs961932195, ClinGen allele CA23910003.